The following is an entry in ClinVar:

ClinVar aggregate classification (germline): Uncertain significance. Review status: reviewed by expert panel (3 of 4 stars). 3 submissions from 3 submitters: Uncertain significance (1). 2 of the submissions do not count toward it. Last evaluated 2024-08-01.

Conditions:
Hereditary thrombocytopenia and hematologic cancer predisposition syndrome. Identifiers: Orphanet 71290, MedGen CN281654, MONDO:0011071.
Inborn genetic diseases. Identifiers: MedGen C0950123, MeSH D030342.
Hereditary thrombocytopenia and hematological cancer predisposition syndrome associated with RUNX1. Also called: Familial Platelet Disorder with Propensity to Acute Myelogenous Leukemia; Familial thrombocytopenia with propensity to acute myelogenous leukemia; RUNX1 Familial Platelet Disorder with Associated Myeloid Malignancies; PLATELET DISORDER, ASPIRIN-LIKE. Identifiers: Orphanet 71290, MedGen C1832388, MeSH C563324, MONDO:0100083, OMIM 601399.

gnomAD v4.1: 13 of 1,566,378 alleles (0.00083%); highest among the groups gnomAD compares: Non-Finnish European, 0.0011%; no homozygotes.

Submissions (3):

ClinGen Myeloid Malignancy Variant Curation Expert Panel
Classification: Uncertain significance for Hereditary thrombocytopenia and hematologic cancer predisposition syndrome. Last evaluated: 2024-08-01. Review status: reviewed by expert panel. Criteria: ClinGen MyeloMalig ACMG Specifications v2. Collection method: curation. Allele origin: germline. Inheritance: Autosomal dominant inheritance.
Comment: NM_001754.5(RUNX1):c.1196G>C (p.Ser399Thr)is a missense variant which is completely absent from all population databases with at least 20x coverage for RUNX1 (PM2_supporting). This missense variant has a REVEL score <0.50 (0.048) and a SpliceAI score <0.20 (0.00) (BP4). In summary, the clinical significance of this variant is uncertain. ACMG/AMP criteria applied, as specified by the Myeloid Malignancy Variant Curation Expert Panel for RUNX1: PM2_supporting and BP4.

Ambry Genetics
Classification: Likely benign for Inborn genetic diseases. Last evaluated: 2025-09-08. Review status: criteria provided, single submitter. Criteria: Ambry Variant Classification Scheme 2023. Collection method: clinical testing. Allele origin: germline. Not counted in ClinVar's aggregate classification.

Labcorp Genetics (formerly Invitae), Labcorp
Classification: Uncertain significance for Hereditary thrombocytopenia and hematological cancer predisposition syndrome associated with RUNX1. Last evaluated: 2024-03-07. Review status: criteria provided, single submitter. Criteria: Invitae Variant Classification Sherloc (09022015). Collection method: clinical testing. Allele origin: germline. Not counted in ClinVar's aggregate classification.
Comment: This sequence change replaces serine, which is neutral and polar, with threonine, which is neutral and polar, at codon 399 of the RUNX1 protein (p.Ser399Thr). This variant is not present in population databases (gnomAD no frequency). This variant has not been reported in the literature in individuals affected with RUNX1-related conditions. ClinVar contains an entry for this variant (Variation ID: 532653). Advanced modeling of protein sequence and biophysical properties (such as structural, functional, and spatial information, amino acid conservation, physicochemical variation, residue mobility, and thermodynamic stability) performed at Invitae indicates that this missense variant is not expected to disrupt RUNX1 protein function with a negative predictive value of 80%. In summary, the available evidence is currently insufficient to determine the role of this variant in disease. Therefore, it has been classified as a Variant of Uncertain Significance.

NM_001754.5(RUNX1):c.1196G>C (p.Ser399Thr)

Gene: RUNX1 (RUNX family transcription factor 1; minus strand). Cytogenetic location: 21q22.12.
Variant type: single nucleotide variant.
Coding change: c.1196G>C on transcript NM_001754.5 (MANE Select); coding-DNA position 1196, G replaced by C.
Protein change: p.Ser399Thr; replaces serine 399 with threonine.
Molecular consequence: missense variant.
Genome position (GRCh38, 1-based): chr21:34,792,382, C>G on the plus strand (G>C on the coding strand, the complement: RUNX1 is on the minus strand). VCF-style: chr21-34792382-C-G. GRCh37 (hg19) VCF-style: chr21-36164679-C-G.
Other names: NM_001754.5(RUNX1):c.1196G>C; p.Ser399Thr; c.1115G>C, p.Ser372Thr (NM_001001890.3); short protein forms S399T, S372T.
Identifiers: ClinVar variation 532653 (VCV000532653.13), dbSNP rs946348885, ClinGen allele CA410147803.